The following is an entry in ClinVar:

ClinVar aggregate classification (germline): Pathogenic (1 of 4 stars; one submission).

Conditions:
Mucopolysaccharidosis, MPS-II (MPS2). Also called: Hunter Syndrome; IDURONATE 2-SULFATASE DEFICIENCY; Mucopolysaccharidosis Type II; Mucopolysaccharidosis type 2; Attenuated MPS (subtype; formerly known as mild MPS II); Severe MPS II. Identifiers: Orphanet 580, Orphanet 79388, MedGen C0026705, MONDO:0010674, OMIM 309900.

Submission:

Laboratory of Diagnosis and Therapy of Lysosomal Disorders, University of Padova
Classification: Pathogenic for Mucopolysaccharidosis, MPS-II. Last evaluated: 2024-06-07. Review status: criteria provided, single submitter. Criteria: ACMG Guidelines, 2015. Collection method: literature only. Allele origin: germline. Affected: yes. Observed: 1 variant allele.
Comment: Null variant (PVS1_Strong), Absent from controls (or at low frequency) in gnomAD database (PM2_Moderate), Patient’s phenotype or family history highly specific for the disease (PP4_Strong)

Classification method: ACMG Guidelines [PMID:25741868] with modifications

Literature cited by the submitters: PubMed 9222763.

NM_000202.8(IDS):c.1319dup (p.His441fs)

Gene: IDS (iduronate 2-sulfatase; minus strand). Cytogenetic location: Xq28.
Variant type: Duplication.
Coding change: c.1319dup on transcript NM_000202.8 (MANE Select); coding-DNA position 1319, one base duplicated (A; older notation c.1319dupA).
Protein change: p.His441fs; shifts the reading frame from histidine 441.
Molecular consequence: frameshift variant.
Genome position (GRCh38, 1-based): chrX:149,483,080, T duplicated on the plus strand (A on the coding strand, the reverse complement: IDS is on the minus strand); the first of 2 consecutive T bases (chrX:149,483,080-149,483,081); duplicating either gives the same sequence. VCF-style (leftmost placement, unchanged base first): chrX-149483079-C-CT. GRCh37 (hg19) VCF-style: chrX-148564610-C-CT.
Other names: c.1049dup, p.His351fs (NM_001166550.4); short protein forms H351fs, H441fs.
Identifiers: ClinVar variation 3256026 (VCV003256026.2).